The following is an entry in ClinVar:

ClinVar aggregate classification (germline): Likely benign. Review status: criteria provided, multiple submitters, no conflicts (2 of 4 stars). 2 submissions from 2 submitters: Likely benign (2). Last evaluated 2025-09-30.

Submissions (2):

Women's Health and Genetics/Laboratory Corporation of America, LabCorp
Classification: Likely benign. Last evaluated: 2025-09-30. Review status: criteria provided, single submitter. Criteria: LabCorp Variant Classification Summary - May 2015. Collection method: clinical testing. Allele origin: germline.
Comment: Variant summary: AEBP1 c.2218-16delG alters a non-conserved nucleotide located at a position not widely known to affect splicing. Consensus agreement among computation tools predict no significant impact on normal splicing. However, these predictions have yet to be confirmed by functional studies. The frequency data for this variant in gnomAD is considered unreliable, as metrics indicate poor data quality at this position. To our knowledge, no occurrence of c.2218-16delG in individuals affected with AEBP1-related conditions and no experimental evidence demonstrating its impact on protein function have been reported. ClinVar contains an entry for this variant (Variation ID: 3613804). Based on the evidence outlined above, the variant was classified as likely benign.

Labcorp Genetics (formerly Invitae), Labcorp
Classification: Likely benign. Last evaluated: 2024-12-19. Review status: criteria provided, single submitter. Criteria: Invitae Variant Classification Sherloc (09022015). Collection method: clinical testing. Allele origin: germline.

NM_001129.5(AEBP1):c.2218-16del

Gene: AEBP1 (AE binding protein 1; plus strand). Cytogenetic location: 7p13.
Variant type: Deletion.
Coding change: c.2218-16del on transcript NM_001129.5 (MANE Select); 16 bases into the intron before coding-DNA position 2218, one base deleted (G; older notation c.2218-16delG).
Molecular consequence: intron variant.
Genome position (GRCh38, 1-based): chr7:44,112,542, G deleted. VCF-style (leftmost placement, unchanged base first): chr7-44112541-CG-C. GRCh37 (hg19) VCF-style: chr7-44152140-CG-C.
Other names: c.2218-16delG (NM_001129.5).
Identifiers: ClinVar variation 3613804 (VCV003613804.3).